The following is an entry in ClinVar:

NM_000092.5(COL4A4):c.1366del (p.Ser456fs)

Gene: COL4A4 (collagen type IV alpha 4 chain; minus strand). Cytogenetic location: 2q36.3.
Variant type: Deletion.
Coding change: c.1366del on transcript NM_000092.5 (MANE Select); coding-DNA position 1366, one base deleted (A; older notation c.1366delA).
Protein change: p.Ser456fs; shifts the reading frame from serine 456.
Molecular consequence: frameshift variant.
Genome position (GRCh38, 1-based): chr2:227,094,128, T deleted on the plus strand (A on the coding strand, the reverse complement: COL4A4 is on the minus strand); the first of 2 consecutive T bases (chr2:227,094,128-227,094,129); deleting either gives the same sequence. VCF-style (leftmost placement, unchanged base first): chr2-227094127-CT-C. GRCh37 (hg19) VCF-style: chr2-227958843-CT-C.
Other names: short protein forms S456fs.
Identifiers: ClinVar variation 2735576 (VCV002735576.3), dbSNP rs2475247369, ClinGen allele CA2697550508.
Genomic context (GRCh38, chr2:227,094,127, plus strand): 5'-CACTGCAAATATCAAAAGCAGCATAAATGCTAATGGATATGAATAAGGAGTACTTTACCA[CT>C]TGATCCTGGGAGGCCCTGCAGGCCTGGTGCTCCAGGCAAGCCAGGTGATCCTGGCTTCCC-3'

ClinVar aggregate classification (germline): Pathogenic (1 of 4 stars; one submission).

Submission:

Labcorp Genetics (formerly Invitae), Labcorp
Classification: Pathogenic. Last evaluated: 2023-07-03. Review status: criteria provided, single submitter. Criteria: Invitae Variant Classification Sherloc (09022015). Collection method: clinical testing. Allele origin: germline.
Comment: For these reasons, this variant has been classified as Pathogenic. This variant has not been reported in the literature in individuals affected with COL4A4-related conditions. This variant is not present in population databases (gnomAD no frequency). This sequence change creates a premature translational stop signal (p.Ser456Valfs*2) in the COL4A4 gene. It is expected to result in an absent or disrupted protein product. Loss-of-function variants in COL4A4 are known to be pathogenic (PMID: 21196518, 24854265, 25307543).

Literature cited by the submitters: PubMed 21196518; PubMed 24854265; PubMed 25307543.